The following is an entry in ClinVar:

NM_001256789.3(CACNA1F):c.1108G>A (p.Val370Ile)

Gene: CACNA1F (calcium voltage-gated channel subunit alpha1 F; minus strand). Cytogenetic location: Xp11.23.
Variant type: single nucleotide variant.
Coding change: c.1108G>A on transcript NM_001256789.3 (MANE Select); coding-DNA position 1108, G replaced by A.
Protein change: p.Val370Ile; replaces valine 370 with isoleucine.
Molecular consequence: missense variant.
Genome position (GRCh38, 1-based): chrX:49,228,046, C>T on the plus strand (G>A on the coding strand, the complement: CACNA1F is on the minus strand). VCF-style: chrX-49228046-C-T. GRCh37 (hg19) VCF-style: chrX-49084508-C-T.
Other names: c.913G>A, p.Val305Ile (NM_001256790.3); c.1108G>A, p.Val370Ile (NM_005183.4); short protein forms V370I, V305I.
Identifiers: ClinVar variation 587564 (VCV000587564.11), dbSNP rs782458308, ClinGen allele CA10410953.

ClinVar aggregate classification (germline): Uncertain significance. Review status: criteria provided, multiple submitters, no conflicts (2 of 4 stars). 6 submissions from 4 submitters: Uncertain significance (6). Last evaluated 2024-08-31.

Conditions:
Congenital stationary night blindness 2A (CSNB2A). Also called: Night blindness, congenital stationary (incomplete), 2A, X-linked; CACNA1F-Related X-Linked Congenital Stationary Night Blindness; CSNB, INCOMPLETE, X-LINKED; NIGHT BLINDNESS, CONGENITAL STATIONARY, TYPE 2. Identifiers: Orphanet 215, MedGen C1848172, MONDO:0010241, OMIM 300071.
X-linked cone-rod dystrophy 3 (CORDX3). Identifiers: Orphanet 1872, MedGen C1845407, MONDO:0010335, OMIM 300476.
Aland island eye disease (AIED). Also called: Forsius Eriksson type ocular albinism. Identifiers: Orphanet 178333, MedGen C0268505, MONDO:0010371, OMIM 300600.

Allele frequency attached by ClinVar (database versions not stated): ExAC 0.00001; gnomAD exomes 0.00001; TOPMed 0.00001; gnomAD 0.00002.

Submissions (6):

Labcorp Genetics (formerly Invitae), Labcorp
Classification: Uncertain significance. Last evaluated: 2024-08-31. Review status: criteria provided, single submitter. Criteria: Invitae Variant Classification Sherloc (09022015). Collection method: clinical testing. Allele origin: germline.
Comment: This sequence change replaces valine, which is neutral and non-polar, with isoleucine, which is neutral and non-polar, at codon 370 of the CACNA1F protein (p.Val370Ile). This variant is present in population databases (rs782458308, gnomAD 0.006%). This variant has not been reported in the literature in individuals affected with CACNA1F-related conditions. ClinVar contains an entry for this variant (Variation ID: 587564). Invitae Evidence Modeling of protein sequence and biophysical properties (such as structural, functional, and spatial information, amino acid conservation, physicochemical variation, residue mobility, and thermodynamic stability) indicates that this missense variant is expected to disrupt CACNA1F protein function with a positive predictive value of 80%. In summary, the available evidence is currently insufficient to determine the role of this variant in disease. Therefore, it has been classified as a Variant of Uncertain Significance.

Mendelics
Classification: Uncertain significance. Last evaluated: 2022-05-04. Review status: criteria provided, single submitter. Criteria: Mendelics Assertion Criteria 2019. Collection method: clinical testing. Allele origin: germline.

Blueprint Genetics
Classification: Uncertain significance. Last evaluated: 2021-09-10. Review status: criteria provided, single submitter. Criteria: ACMG Guidelines, 2015. Collection method: clinical testing. Allele origin: germline.

Genomic Research Center, Shahid Beheshti University of Medical Sciences
Classification: Uncertain significance for Ocular albinism, type II. Last evaluated: 2018-08-07. Review status: criteria provided, single submitter. Criteria: ACMG Guidelines, 2015. Collection method: clinical testing. Allele origin: inherited. Affected: yes. Observed: 1 variant allele.

Genomic Research Center, Shahid Beheshti University of Medical Sciences
Classification: Uncertain significance for Cone-rod dystrophy X-linked 3. Last evaluated: 2018-08-07. Review status: criteria provided, single submitter. Criteria: ACMG Guidelines, 2015. Collection method: clinical testing. Allele origin: inherited. Affected: yes. Observed: 1 variant allele.

Genomic Research Center, Shahid Beheshti University of Medical Sciences
Classification: Uncertain significance for Congenital stationary night blindness, type 2A. Last evaluated: 2018-08-07. Review status: criteria provided, single submitter. Criteria: ACMG Guidelines, 2015. Collection method: clinical testing. Allele origin: inherited. Affected: yes. Observed: 1 variant allele.